The following is an entry in ClinVar:

ClinVar aggregate classification (germline): Uncertain significance. Review status: criteria provided, multiple submitters, no conflicts (2 of 4 stars). 2 submissions from 2 submitters: Uncertain significance (2). Last evaluated 2025-01-25.

Conditions:
Severe combined immunodeficiency due to DNA-PKcs deficiency. Also called: IMMUNODEFICIENCY 26 WITH NEUROLOGIC ABNORMALITIES; Immunodeficiency 26 with or without neurologic abnormalities. Identifiers: Orphanet 317425, MedGen C4014833, MONDO:0014423, OMIM 615966.

Allele frequency attached by ClinVar (database versions not stated): gnomAD 0.00005 and 0.00006; gnomAD exomes 0.00006 and 0.00017; ESP Exome Variant Server 0.00008; TOPMed 0.00016; ExAC 0.00017; 1000 Genomes Project 0.00020; 1000 Genomes Project 30x 0.00031.
gnomAD v4.1: 92 of 1,614,034 alleles (0.0057%); highest among the groups gnomAD compares: Admixed American, 0.07%; no homozygotes.

Submissions (2):

Labcorp Genetics (formerly Invitae), Labcorp
Classification: Uncertain significance for Severe combined immunodeficiency due to DNA-PKcs deficiency. Last evaluated: 2025-01-25. Review status: criteria provided, single submitter. Criteria: Invitae Variant Classification Sherloc (09022015). Collection method: clinical testing. Allele origin: germline.
Comment: This sequence change replaces threonine, which is neutral and polar, with arginine, which is basic and polar, at codon 400 of the PRKDC protein (p.Thr400Arg). This variant is present in population databases (rs201070491, gnomAD 0.07%). This variant has not been reported in the literature in individuals affected with PRKDC-related conditions. ClinVar contains an entry for this variant (Variation ID: 1358879). Invitae Evidence Modeling of protein sequence and biophysical properties (such as structural, functional, and spatial information, amino acid conservation, physicochemical variation, residue mobility, and thermodynamic stability) indicates that this missense variant is expected to disrupt PRKDC protein function with a positive predictive value of 80%. In summary, the available evidence is currently insufficient to determine the role of this variant in disease. Therefore, it has been classified as a Variant of Uncertain Significance.

Ambry Genetics
Classification: Uncertain significance. Last evaluated: 2022-09-16. Review status: criteria provided, single submitter. Criteria: Ambry Variant Classification Scheme 2023. Collection method: clinical testing. Allele origin: germline.
Comment: The p.T400R variant (also known as c.1199C>G), located in coding exon 12 of the PRKDC gene, results from a C to G substitution at nucleotide position 1199. The threonine at codon 400 is replaced by arginine, an amino acid with similar properties. This amino acid position is conserved. In addition, this alteration is predicted to be tolerated by in silico analysis. Since supporting evidence is limited at this time, the clinical significance of this alteration remains unclear.

NM_006904.7(PRKDC):c.1199C>G (p.Thr400Arg)

Gene: PRKDC (protein kinase, DNA-activated, catalytic subunit; minus strand). Cytogenetic location: 8q11.21.
Variant type: single nucleotide variant.
Coding change: c.1199C>G on transcript NM_006904.7 (MANE Select); coding-DNA position 1199, C replaced by G.
Protein change: p.Thr400Arg; replaces threonine 400 with arginine.
Molecular consequence: missense variant.
Genome position (GRCh38, 1-based): chr8:47,936,432, G>C on the plus strand (C>G on the coding strand, the complement: PRKDC is on the minus strand). VCF-style: chr8-47936432-G-C. GRCh37 (hg19) VCF-style: chr8-48848992-G-C.
Other names: c.1199C>G, p.Thr400Arg (NM_001081640.2); short protein forms T400R.
Identifiers: ClinVar variation 1358879 (VCV001358879.7), dbSNP rs201070491, ClinGen allele CA4741792.